The following is an entry in ClinVar:

ClinVar aggregate classification (germline): Uncertain significance (1 of 4 stars; one submission).

Submission:

Labcorp Genetics (formerly Invitae), Labcorp
Classification: Uncertain significance. Last evaluated: 2022-08-11. Review status: criteria provided, single submitter. Criteria: Invitae Variant Classification Sherloc (09022015). Collection method: clinical testing. Allele origin: germline.
Comment: This variant has not been reported in the literature in individuals affected with FZD4-related conditions. This variant is not present in population databases (gnomAD no frequency). This sequence change replaces glycine, which is neutral and non-polar, with valine, which is neutral and non-polar, at codon 389 of the FZD4 protein (p.Gly389Val). Algorithms developed to predict the effect of missense changes on protein structure and function are either unavailable or do not agree on the potential impact of this missense change (SIFT: "Deleterious"; PolyPhen-2: "Possibly Damaging"; Align-GVGD: "Class C0"). In summary, the available evidence is currently insufficient to determine the role of this variant in disease. Therefore, it has been classified as a Variant of Uncertain Significance.

NM_012193.4(FZD4):c.1166G>T (p.Gly389Val)

Genes: FZD4 (frizzled class receptor 4; minus strand), PRSS23 (serine protease 23; plus strand). Cytogenetic location: 11q14.2.
Variant type: single nucleotide variant.
Coding change: c.1166G>T on transcript NM_012193.4 (MANE Select); coding-DNA position 1166, G replaced by T.
Protein change: p.Gly389Val; replaces glycine 389 with valine.
Molecular consequence: missense variant. On other transcripts: non-coding transcript variant (2).
Genome position (GRCh38, 1-based): chr11:86,951,590, C>A on the plus strand (G>T on the coding strand, the complement: FZD4 is on the minus strand). VCF-style: chr11-86951590-C-A. GRCh37 (hg19) VCF-style: chr11-86662632-C-A.
Other names: short protein forms G389V.
Identifiers: ClinVar variation 1716117 (VCV001716117.5), dbSNP rs931793576, ClinGen allele CA225380844.
Genomic context (GRCh38, chr11:86,951,590, plus strand): 5'-CCTGCAGCAATGAACAAAGTTCCAATGACCAAATAAGTAAAGAGGGGAGCCACCACGAAC[C>A]CGGTGAGGGCATCGAGATTTTGGTTTCCAACATAGCACAAGCCAGTCAGTTCATCTGCAT-3'
Protein context (NP_036325.2, residues 379-399): VGNQNLDALT[Gly389Val]FVVAPLFTYL